The following is an entry in ClinVar:

ClinVar aggregate classification (germline): Likely benign (1 of 4 stars; one submission).

Allele frequency attached by ClinVar (database versions not stated): gnomAD exomes 0.00013; gnomAD 0.00019; TOPMed 0.00020; ExAC 0.00031; 1000 Genomes Project 30x 0.00078; 1000 Genomes Project 0.00100.
gnomAD v4.1: 218 of 1,613,284 alleles (0.014%); highest among the groups gnomAD compares: East Asian, 0.46%; 1 homozygote.

Submission:

CeGaT Center for Human Genetics Tuebingen
Classification: Likely benign. Last evaluated: 2022-06-01. Review status: criteria provided, single submitter. Criteria: CeGaT Center For Human Genetics Tuebingen Variant Classification Criteria Version 2. Collection method: clinical testing. Allele origin: germline. Affected: yes. Observed: 1 variant allele.
Comment: EPB41L5: BP4, BP7

NM_020909.4(EPB41L5):c.582T>C (p.Thr194=)

Gene: EPB41L5 (erythrocyte membrane protein band 4.1 like 5; plus strand). Cytogenetic location: 2q14.2.
Variant type: single nucleotide variant.
Coding change: c.582T>C on transcript NM_020909.4 (MANE Select); coding-DNA position 582, T replaced by C.
Protein change: p.Thr194=; no amino-acid change (threonine 194 retained).
Molecular consequence: synonymous variant. On other transcripts: non-coding transcript variant (2).
Genome position (GRCh38, 1-based): chr2:120,077,047, T>C. VCF-style: chr2-120077047-T-C. GRCh37 (hg19) VCF-style: chr2-120834623-T-C.
Other names: c.582T>C, p.Thr194= (NM_001184937.2, NM_001184938.4, NM_001184939.3 and 1 more transcripts); c.366T>C, p.Thr122= (NM_001330307.2).
Identifiers: ClinVar variation 2651312 (VCV002651312.24), dbSNP rs181423331, ClinGen allele CA1850182.